The following is an entry in ClinVar:

ClinVar aggregate classification (germline): Likely benign. Review status: criteria provided, single submitter (1 of 4 stars). 2 submissions from 2 submitters: Likely benign (1). 1 of the submissions does not count toward it. Last evaluated 2020-04-12.

Conditions:
CEP290-related disorder. Also called: CEP290-related condition; CEP290-related disorders. Identifiers: MedGen CN239314.
Joubert syndrome. Also called: Familial aplasia of the vermis; CEREBELLOPARENCHYMAL DISORDER IV; JOUBERT-BOLTSHAUSER SYNDROME. Identifiers: Orphanet 475, MedGen C5979921, MONDO:0018772.
Meckel-Gruber syndrome. Also called: Dysencephalia splachnocystica; DYSENCEPHALIA SPLANCHNOCYSTICA; GRUBER SYNDROME. Identifiers: Orphanet 564, MedGen C0265215, MONDO:0018921.
Nephronophthisis. Also called: Juvenile Nephronophthisis. Identifiers: Orphanet 655, MedGen C0687120, MONDO:0019005, HP:0000090.

gnomAD v4.1: 1 of 1,307,844 alleles (0.000076%); highest among the groups gnomAD compares: Non-Finnish European, 0.0001%; no homozygotes.

Submissions (2):

Labcorp Genetics (formerly Invitae), Labcorp
Classification: Likely benign for Joubert syndrome; Meckel-Gruber syndrome; Nephronophthisis. Last evaluated: 2020-04-12. Review status: criteria provided, single submitter. Criteria: Invitae Variant Classification Sherloc (09022015). Collection method: clinical testing. Allele origin: germline.

PreventionGenetics, part of Exact Sciences
Classification: Likely benign for CEP290-related condition. Last evaluated: 2021-08-23. Review status: no assertion criteria provided. Collection method: clinical testing. Allele origin: germline. Not counted in ClinVar's aggregate classification.
Comment: This variant is classified as likely benign based on ACMG/AMP sequence variant interpretation guidelines (Richards et al. 2015 PMID: 25741868, with internal and published modifications).

NM_025114.4(CEP290):c.1078C>A (p.Arg360=)

Gene: CEP290 (centrosomal protein 290; minus strand). Cytogenetic location: 12q21.32.
Variant type: single nucleotide variant.
Coding change: c.1078C>A on transcript NM_025114.4 (MANE Select); coding-DNA position 1078, C replaced by A.
Protein change: p.Arg360=; no amino-acid change (arginine 360 retained).
Molecular consequence: synonymous variant.
Genome position (GRCh38, 1-based): chr12:88,125,357, G>T on the plus strand (C>A on the coding strand, the complement: CEP290 is on the minus strand). VCF-style: chr12-88125357-G-T. GRCh37 (hg19) VCF-style: chr12-88519134-G-T.
Other names: c.1078C>A (NM_025114.3).
Identifiers: ClinVar variation 1087751 (VCV001087751.10), dbSNP rs776645403, ClinGen allele CA481052524.